The following is an entry in ClinVar:

NM_001025616.3(ARHGAP24):c.1720T>C (p.Ser574Pro)

Gene: ARHGAP24 (Rho GTPase activating protein 24; plus strand). Cytogenetic location: 4q21.23.
Variant type: single nucleotide variant.
Coding change: c.1720T>C on transcript NM_001025616.3 (MANE Select); coding-DNA position 1720, T replaced by C.
Protein change: p.Ser574Pro; replaces serine 574 with proline.
Molecular consequence: missense variant.
Genome position (GRCh38, 1-based): chr4:85,995,374, T>C. VCF-style: chr4-85995374-T-C. GRCh37 (hg19) VCF-style: chr4-86916527-T-C.
Other names: c.1435T>C, p.Ser479Pro (NM_001042669.2); c.1465T>C, p.Ser489Pro (NM_001287805.2); c.1141T>C, p.Ser381Pro (NM_001346093.2); c.1441T>C, p.Ser481Pro (NM_031305.3); short protein forms S381P, S479P, S481P, S489P, S574P.
Identifiers: ClinVar variation 5018218 (VCV005018218.1).

ClinVar aggregate classification (germline): Uncertain significance (1 of 4 stars; one submission).

Submission:

GeneDx
Classification: Uncertain significance. Last evaluated: 2026-04-05. Review status: criteria provided, single submitter. Criteria: GeneDx Variant Classification Process June 2021. Collection method: clinical testing. Allele origin: germline.
Comment: Not observed at significant frequency in large population cohorts (gnomAD); In silico analysis suggests that this missense variant does not alter protein structure/function; Has not been previously published as pathogenic or benign to our knowledge